The following is an entry in ClinVar:

ClinVar aggregate classification (germline): Uncertain significance (1 of 4 stars; one submission).

Conditions:
Hereditary cancer-predisposing syndrome. Also called: Neoplastic Syndromes, Hereditary; Hereditary Cancer Syndrome; Tumor predisposition; Hereditary neoplastic syndrome. Identifiers: Orphanet 140162, MedGen C0027672, MeSH D009386, MONDO:0015356.

Submission:

Ambry Genetics
Classification: Uncertain significance for Hereditary cancer-predisposing syndrome. Last evaluated: 2024-12-19. Review status: criteria provided, single submitter. Criteria: Ambry Variant Classification Scheme 2023. Collection method: clinical testing. Allele origin: germline.
Comment: The p.S932T variant (also known as c.2795G>C), located in coding exon 16 of the RET gene, results from a G to C substitution at nucleotide position 2795. The serine at codon 932 is replaced by threonine, an amino acid with similar properties. This amino acid position is highly conserved in available vertebrate species. In addition, this alteration is predicted to be deleterious by in silico analysis. Based on the available evidence, the clinical significance of this variant remains unclear.

NM_020975.6(RET):c.2795G>C (p.Ser932Thr)

Genes: RET (ret proto-oncogene; plus strand), LOC130003710 (ATAC-STARR-seq lymphoblastoid active region 3286; plus strand). Cytogenetic location: 10q11.21.
Variant type: single nucleotide variant.
Coding change: c.2795G>C on transcript NM_020975.6 (MANE Select); coding-DNA position 2795, G replaced by C.
Protein change: p.Ser932Thr; replaces serine 932 with threonine.
Molecular consequence: missense variant.
Genome position (GRCh38, 1-based): chr10:43,122,010, G>C. VCF-style: chr10-43122010-G-C. GRCh37 (hg19) VCF-style: chr10-43617458-G-C.
Other names: c.2033G>C, p.Ser678Thr (NM_001355216.2); c.2795G>C, p.Ser932Thr (NM_001406743.1, NM_001406744.1, NM_001406759.1 and 2 more transcripts); c.2666G>C, p.Ser889Thr (NM_001406761.1, NM_001406762.1, NM_001406764.1); c.2660G>C, p.Ser887Thr (NM_001406763.1, NM_001406765.1); c.2507G>C, p.Ser836Thr (NM_001406766.1, NM_001406767.1, NM_001406770.1); c.2531G>C, p.Ser844Thr (NM_001406768.1); c.2399G>C, p.Ser800Thr (NM_001406769.1, NM_001406772.1); c.2357G>C, p.Ser786Thr (NM_001406771.1, NM_001406773.1); and 10 more; short protein forms S449T, S588T, S593T, S633T, S800T, S844T, S537T, S678T.
Identifiers: ClinVar variation 3788304 (VCV003788304.1).